The following is an entry in ClinVar:

ClinVar aggregate classification (germline): Uncertain significance. Review status: criteria provided, multiple submitters, no conflicts (2 of 4 stars). 2 submissions from 2 submitters: Uncertain significance (2). Last evaluated 2023-09-23.

Conditions:
Sulfite oxidase deficiency due to molybdenum cofactor deficiency type C. Also called: Molybdenum cofactor deficiency, complementation group C; Molybdenum cofactor deficiency C. Identifiers: Orphanet 308400, Orphanet 833, MedGen C1854990, MONDO:0014212, OMIM 615501.
GPHN-related disorder. Also called: GPHN-related condition.

Allele frequency attached by ClinVar (database versions not stated): gnomAD exomes 0.00003; TOPMed below 0.00001; ExAC 0.00001.
gnomAD v4.1: 46 of 1,613,536 alleles (0.0029%); highest among the groups gnomAD compares: Non-Finnish European, 0.0038%; no homozygotes.

Submissions (2):

Labcorp Genetics (formerly Invitae), Labcorp
Classification: Uncertain significance for Sulfite oxidase deficiency due to molybdenum cofactor deficiency type C. Last evaluated: 2023-09-23. Review status: criteria provided, single submitter. Criteria: Invitae Variant Classification Sherloc (09022015). Collection method: clinical testing. Allele origin: germline.
Comment: This sequence change falls in intron 14 of the GPHN gene. It does not directly change the encoded amino acid sequence of the GPHN protein. It affects a nucleotide within the consensus splice site. This variant is present in population databases (rs745860575, gnomAD 0.002%). This variant has not been reported in the literature in individuals affected with GPHN-related conditions. ClinVar contains an entry for this variant (Variation ID: 2081023). Variants that disrupt the consensus splice site are a relatively common cause of aberrant splicing (PMID: 17576681, 9536098). Algorithms developed to predict the effect of sequence changes on RNA splicing suggest that this variant is not likely to affect RNA splicing. In summary, the available evidence is currently insufficient to determine the role of this variant in disease. Therefore, it has been classified as a Variant of Uncertain Significance.

PreventionGenetics, part of Exact Sciences
Classification: Uncertain significance for GPHN-related condition. Last evaluated: 2023-04-28. Review status: criteria provided, single submitter. Criteria: ACMG Guidelines, 2015. Collection method: clinical testing. Allele origin: germline.
Comment: The GPHN c.1413+3A>G variant is predicted to interfere with splicing. To our knowledge, this variant has not been reported in the literature. This variant is reported in 0.0018% of alleles in individuals of European (Non-Finnish) descent in gnomAD. This variant has moderate prediction of affecting donor splice site (Alamut Visual Plus 1.6.1). At this time, the clinical significance of this variant is uncertain due to the absence of conclusive functional and genetic evidence.

Literature cited by the submitters: PubMed 17576681 (cited by Labcorp Genetics (formerly Invitae), Labcorp); PubMed 9536098 (cited by Labcorp Genetics (formerly Invitae), Labcorp).

NM_020806.5(GPHN):c.1413+3A>G

Gene: GPHN (gephyrin; plus strand). Cytogenetic location: 14q23.3.
Variant type: single nucleotide variant.
Coding change: c.1413+3A>G on transcript NM_020806.5 (MANE Select); 3 bases into the intron after coding-DNA position 1413, A replaced by G.
Molecular consequence: intron variant.
Genome position (GRCh38, 1-based): chr14:67,110,262, A>G. VCF-style: chr14-67110262-A-G. GRCh37 (hg19) VCF-style: chr14-67576979-A-G.
Other names: c.1413+3A>G (NM_020806.4); c.1473+3A>G (NM_001377514.1); c.1353+3A>G (NM_001377519.1); c.1443+3A>G (NM_001377515.1); c.1434+3A>G (NM_001377516.1); c.1371+3A>G (NM_001377518.1); c.1386+3A>G (NM_001377517.1); c.1314+3A>G (NM_001024218.2).
Identifiers: ClinVar variation 2081023 (VCV002081023.5), dbSNP rs745860575, ClinGen allele CA7234069.